The following is an entry in ClinVar:

NM_001170629.2(CHD8):c.1574C>G (p.Ser525Cys)

Gene: CHD8 (chromodomain helicase DNA binding protein 8; minus strand). Cytogenetic location: 14q11.2.
Variant type: single nucleotide variant.
Coding change: c.1574C>G on transcript NM_001170629.2 (MANE Select); coding-DNA position 1574, C replaced by G.
Protein change: p.Ser525Cys; replaces serine 525 with cysteine.
Molecular consequence: missense variant.
Genome position (GRCh38, 1-based): chr14:21,427,896, G>C on the plus strand (C>G on the coding strand, the complement: CHD8 is on the minus strand). VCF-style: chr14-21427896-G-C. GRCh37 (hg19) VCF-style: chr14-21896055-G-C.
Other names: c.737C>G, p.Ser246Cys (NM_020920.4); short protein forms S246C, S525C.
Identifiers: ClinVar variation 3343476 (VCV003343476.1).
Genomic context (GRCh38, chr14:21,427,896, plus strand): 5'-GCACGTCCCATCACAGTAGCAAGGAGTACTCACTTGAGCTTGCTCTTGCCCTTTGTTTTG[G>C]AGGCACCAGATGTTTTACTCTTCTTTGGCTTCTCCTCTTTCAGCCTCTCCCCAGCACTCT-3'
Protein context (NP_001164100.1, residues 515-535): KPKKSKTSGA[Ser525Cys]KTKGKSKLNT

ClinVar aggregate classification (germline): Uncertain significance (1 of 4 stars; one submission).

Submission:

GeneDx
Classification: Uncertain significance. Last evaluated: 2024-03-27. Review status: criteria provided, single submitter. Criteria: GeneDx Variant Classification Process June 2021. Collection method: clinical testing. Allele origin: germline. Affected: yes.
Comment: Not observed at significant frequency in large population cohorts (gnomAD); In silico analysis supports that this missense variant has a deleterious effect on protein structure/function; Has not been previously published as pathogenic or benign to our knowledge